The following is an entry in ClinVar:

ClinVar aggregate classification (germline): Uncertain significance (1 of 4 stars; one submission).

gnomAD v4.1: 6 of 1,603,040 alleles (0.00037%); highest among the groups gnomAD compares: East Asian, 0.0022%; no homozygotes.

Submission:

GeneDx
Classification: Uncertain significance. Last evaluated: 2024-05-23. Review status: criteria provided, single submitter. Criteria: GeneDx Variant Classification Process June 2021. Collection method: clinical testing. Allele origin: germline. Affected: yes.
Comment: In silico analysis supports that this missense variant has a deleterious effect on protein structure/function; Has not been previously published as pathogenic or benign to our knowledge

NM_001348768.2(HECW2):c.2498C>T (p.Thr833Met)

Gene: HECW2 (HECT, C2 and WW domain containing E3 ubiquitin protein ligase 2; minus strand). Cytogenetic location: 2q32.3.
Variant type: single nucleotide variant.
Coding change: c.2498C>T on transcript NM_001348768.2 (MANE Select); coding-DNA position 2498, C replaced by T.
Protein change: p.Thr833Met; replaces threonine 833 with methionine.
Molecular consequence: missense variant.
Genome position (GRCh38, 1-based): chr2:196,308,022, G>A on the plus strand (C>T on the coding strand, the complement: HECW2 is on the minus strand). VCF-style: chr2-196308022-G-A. GRCh37 (hg19) VCF-style: chr2-197172746-G-A.
Other names: c.1430C>T, p.Thr477Met (NM_001304840.3); c.2498C>T, p.Thr833Met (NM_020760.4); short protein forms T477M, T833M.
Identifiers: ClinVar variation 3383632 (VCV003383632.1).
Genomic context (GRCh38, chr2:196,308,022, plus strand): 5'-ATGGAGTTAGATCTCTGCAGCACCTGCGGGGCTGGGGGAGCTGTCGGTCGCTGCCACGTC[G>A]TGGTTCTGTTTACGTGATCCACGTAGAAGATCCTGCCGTGGCTGTCAATGCGTGCCTCCC-3'
Protein context (NP_001335697.1, residues 823-843): IFYVDHVNRT[Thr833Met]TWQRPTAPPA